The following is an entry in ClinVar:

NM_014003.4(DHX38):c.2234T>C (p.Ile745Thr)

Gene: DHX38 (DEAH-box helicase 38; plus strand). Cytogenetic location: 16q22.2.
Variant type: single nucleotide variant.
Coding change: c.2234T>C on transcript NM_014003.4 (MANE Select); coding-DNA position 2234, T replaced by C.
Protein change: p.Ile745Thr; replaces isoleucine 745 with threonine.
Molecular consequence: missense variant.
Genome position (GRCh38, 1-based): chr16:72,105,109, T>C. VCF-style: chr16-72105109-T-C. GRCh37 (hg19) VCF-style: chr16-72139008-T-C.
Other names: short protein forms I745T.
Identifiers: ClinVar variation 1514653 (VCV001514653.8), dbSNP rs2144160197, ClinGen allele CA396711473.
Genomic context (GRCh38, chr16:72,105,109, plus strand): 5'-AGGCTGCAGTGAAGCAGTCCTTGCAGGTGCACCTGTCGGGGGCCCCTGGAGACATCCTTA[T>C]CTTCATGCCTGGCCAAGAGGACATTGAGGTGCGTGCCTTGGTCACGACTGTGATGAGCGG-3'
Protein context (NP_054722.2, residues 735-755): HLSGAPGDIL[Ile745Thr]FMPGQEDIEV

ClinVar aggregate classification (germline): Uncertain significance (1 of 4 stars; one submission).

Submission:

Labcorp Genetics (formerly Invitae), Labcorp
Classification: Uncertain significance. Last evaluated: 2022-11-15. Review status: criteria provided, single submitter. Criteria: Invitae Variant Classification Sherloc (09022015). Collection method: clinical testing. Allele origin: germline.
Comment: In summary, the available evidence is currently insufficient to determine the role of this variant in disease. Therefore, it has been classified as a Variant of Uncertain Significance. Advanced modeling of protein sequence and biophysical properties (such as structural, functional, and spatial information, amino acid conservation, physicochemical variation, residue mobility, and thermodynamic stability) performed at Invitae indicates that this missense variant is expected to disrupt DHX38 protein function. ClinVar contains an entry for this variant (Variation ID: 1514653). This variant has not been reported in the literature in individuals affected with DHX38-related conditions. This variant is not present in population databases (gnomAD no frequency). This sequence change replaces isoleucine, which is neutral and non-polar, with threonine, which is neutral and polar, at codon 745 of the DHX38 protein (p.Ile745Thr).